The following is an entry in ClinVar:

NM_005633.4(SOS1):c.1100A>T (p.Gln367Leu)

Gene: SOS1 (SOS Ras/Rac guanine nucleotide exchange factor 1; minus strand). Cytogenetic location: 2p22.1.
Variant type: single nucleotide variant.
Coding change: c.1100A>T on transcript NM_005633.4 (MANE Select); coding-DNA position 1100, A replaced by T.
Protein change: p.Gln367Leu; replaces glutamine 367 with leucine.
Molecular consequence: missense variant.
Genome position (GRCh38, 1-based): chr2:39,024,112, T>A on the plus strand (A>T on the coding strand, the complement: SOS1 is on the minus strand). VCF-style: chr2-39024112-T-A. GRCh37 (hg19) VCF-style: chr2-39251253-T-A.
Other names: c.1079A>T, p.Gln360Leu (NM_001382394.1); c.1100A>T, p.Gln367Leu (NM_001382395.1); short protein forms Q360L, Q367L.
Identifiers: ClinVar variation 1486270 (VCV001486270.8), dbSNP rs2124539658, ClinGen allele CA346366975.
Genomic context (GRCh38, chr2:39,024,112, plus strand): 5'-ATACCACTCTGAACATTAAGCAAAGCTGTTATTGCTTGTTTTAAACATTCCTTGTCTTCT[T>A]GATCTTCACTTTTTTCTTCTAACTGCTGTAAAGCCAAAATGACAAATCTGAACCAGTAGT-3'
Protein context (NP_005624.2, residues 357-377): LKQLEEKSED[Gln367Leu]EDKECLKQAI

ClinVar aggregate classification (germline): Uncertain significance (1 of 4 stars; one submission).

Conditions:
RASopathy. Also called: Noonan spectrum disorder; rasopathies. Identifiers: Orphanet 536391, MedGen C5555857, MONDO:0021060.

Submission:

Labcorp Genetics (formerly Invitae), Labcorp
Classification: Uncertain significance for RASopathy. Last evaluated: 2021-08-16. Review status: criteria provided, single submitter. Criteria: Invitae Variant Classification Sherloc (09022015). Collection method: clinical testing. Allele origin: germline.
Comment: This sequence change replaces glutamine with leucine at codon 367 of the SOS1 protein (p.Gln367Leu). The glutamine residue is weakly conserved and there is a moderate physicochemical difference between glutamine and leucine. This variant is not present in population databases (ExAC no frequency). This variant has not been reported in the literature in individuals affected with SOS1-related conditions. Algorithms developed to predict the effect of missense changes on protein structure and function are either unavailable or do not agree on the potential impact of this missense change (SIFT: "Deleterious"; PolyPhen-2: "Benign"; Align-GVGD: "Class C0"). In summary, the available evidence is currently insufficient to determine the role of this variant in disease. Therefore, it has been classified as a Variant of Uncertain Significance.